The following is an entry in ClinVar:

ClinVar aggregate classification (germline): Uncertain significance. Review status: criteria provided, multiple submitters, no conflicts (2 of 4 stars). 2 submissions from 2 submitters: Uncertain significance (2). Last evaluated 2024-07-28.

Conditions:
Cardiovascular phenotype. Identifiers: MedGen CN230736.

Allele frequency attached by ClinVar (database versions not stated): gnomAD exomes below 0.00001; ExAC 0.00001; gnomAD 0.00001.
gnomAD v4.1: 5 of 1,601,366 alleles (0.00031%); highest among the groups gnomAD compares: South Asian, 0.0011%; no homozygotes.

Submissions (2):

Ambry Genetics
Classification: Uncertain significance for Cardiovascular phenotype. Last evaluated: 2024-07-28. Review status: criteria provided, single submitter. Criteria: Ambry Variant Classification Scheme 2023. Collection method: clinical testing. Allele origin: germline.
Comment: The p.G1746D variant (also known as c.5237G>A), located in coding exon 13 of the TNXB gene, results from a G to A substitution at nucleotide position 5237. The glycine at codon 1746 is replaced by aspartic acid, an amino acid with similar properties. This amino acid position is conserved. In addition, this alteration is predicted to be tolerated by in silico analysis. Since supporting evidence is limited at this time, the clinical significance of this alteration remains unclear.

Breakthrough Genomics
Classification: Uncertain significance. Review status: criteria provided, single submitter. Criteria: ACMG Guidelines, 2015. Collection method: not provided. Allele origin: germline. Inheritance: Autosomal recessive inheritance. Affected: yes.

NM_001365276.2(TNXB):c.5237G>A (p.Gly1746Asp)

Gene: TNXB (tenascin XB; minus strand). Cytogenetic location: 6p21.33.
Variant type: single nucleotide variant.
Coding change: c.5237G>A on transcript NM_001365276.2 (MANE Select); coding-DNA position 5237, G replaced by A.
Protein change: p.Gly1746Asp; replaces glycine 1746 with aspartic acid.
Molecular consequence: missense variant.
Genome position (GRCh38, 1-based): chr6:32,070,168, C>T on the plus strand (G>A on the coding strand, the complement: TNXB is on the minus strand). VCF-style: chr6-32070168-C-T. GRCh37 (hg19) VCF-style: chr6-32037945-C-T.
Other names: c.5237G>A, p.Gly1746Asp (NM_019105.8); short protein forms G1746D.
Identifiers: ClinVar variation 1746261 (VCV001746261.4), dbSNP rs760983198, ClinGen allele CA3734763.